The following is an entry in ClinVar:

ClinVar aggregate classification (germline): Likely benign. Review status: criteria provided, multiple submitters, no conflicts (2 of 4 stars). 4 submissions from 4 submitters: Likely benign (2). 2 of the submissions do not count toward it. Last evaluated 2025-12-30.

Conditions:
CBS-related disorder. Also called: CBS-related condition.
HYPERHOMOCYSTEINEMIA, THROMBOTIC, CBS-RELATED. Identifiers: MedGen C3150344, OMIM 236200.
Classic homocystinuria. Also called: HOMOCYSTINURIA WITH OR WITHOUT RESPONSE TO PYRIDOXINE; Homocystinuria due to CBS deficiency; Cystathionine beta-synthase deficiency; CBS deficiency; Homocystinuria due to Cystathionine Beta-Synthase Deficiency. Identifiers: Orphanet 394, MedGen C0751202, MONDO:0009352, OMIM 236200.

Allele frequency attached by ClinVar (database versions not stated): gnomAD 0.00025; ESP Exome Variant Server 0.00038.

Submissions (4):

Labcorp Genetics (formerly Invitae), Labcorp
Classification: Likely benign for HYPERHOMOCYSTEINEMIA, THROMBOTIC, CBS-RELATED. Last evaluated: 2025-12-30. Review status: criteria provided, single submitter. Criteria: Invitae Variant Classification Sherloc (09022015). Collection method: clinical testing. Allele origin: germline.

GeneDx
Classification: Likely benign. Last evaluated: 2019-06-05. Review status: criteria provided, single submitter. Criteria: GeneDx Variant Classification Process June 2021. Collection method: clinical testing. Allele origin: germline. Affected: yes.

PreventionGenetics, part of Exact Sciences
Classification: Likely benign for CBS-related condition. Last evaluated: 2022-07-20. Review status: no assertion criteria provided. Collection method: clinical testing. Allele origin: germline. Not counted in ClinVar's aggregate classification.
Comment: This variant is classified as likely benign based on ACMG/AMP sequence variant interpretation guidelines (Richards et al. 2015 PMID: 25741868, with internal and published modifications).

Counsyl
Classification: Uncertain significance for Classic homocystinuria. Last evaluated: 2017-04-06. Review status: no assertion criteria provided. Collection method: clinical testing. Allele origin: unknown. Not counted in ClinVar's aggregate classification.

NM_000071.3(CBS):c.829-11G>T

Gene: CBS (cystathionine beta-synthase; minus strand). Cytogenetic location: 21q22.3.
Variant type: single nucleotide variant.
Coding change: c.829-11G>T on transcript NM_000071.3 (MANE Select); 11 bases into the intron before coding-DNA position 829, G replaced by T.
Molecular consequence: intron variant.
Genome position (GRCh38, 1-based): chr21:43,063,089, C>A on the plus strand (G>T on the coding strand, the complement: CBS is on the minus strand). VCF-style: chr21-43063089-C-A. GRCh37 (hg19) VCF-style: chr21-44483199-C-A.
Other names: c.829-11G>T (NM_001320298.2, NM_001178009.3, NM_001178008.3); c.514-11G>T (NM_001321072.1).
Identifiers: ClinVar variation 551402 (VCV000551402.14), dbSNP rs371619788, ClinGen allele CA321091623.